The following is an entry in ClinVar:

ClinVar aggregate classification (germline): Likely pathogenic (1 of 4 stars; one submission).

Conditions:
Alstrom syndrome (ALMS). Identifiers: Orphanet 64, MedGen C0268425, MONDO:0008763, OMIM 203800.

Submission:

Natera, Inc.
Classification: Likely pathogenic for Alstrom syndrome. Last evaluated: 2026-01-22. Review status: criteria provided, single submitter. Criteria: Natera Variant Classification Schema (03/2026). Collection method: clinical testing. Allele origin: germline.
Comment: The c.12220del variant in ALMS1 is a frameshift variant predicted to shift the reading frame beginning at codon 4074 and leads to a stop codon 43 codons downstream. This variant is expected to result in nonsense mediated decay, truncation, or a dysfunctional protein product. This variant is rare in the general population with a frequency below the threshold expected for the associated phenotype(s). Given the available evidence, this variant is classified as Likely Pathogenic.

NM_001378454.1(ALMS1):c.12217del (p.Gln4073fs)

Genes: ALMS1 (ALMS1 centrosome and basal body associated protein; plus strand), LOC126806252 (BRD4-independent group 4 enhancer GRCh37_chr2:73828496-73829695; plus strand). Cytogenetic location: 2p13.1.
Variant type: Deletion.
Coding change: c.12217del on transcript NM_001378454.1 (MANE Select); coding-DNA position 12217, one base deleted (C; older notation c.12217delC).
Protein change: p.Gln4073fs; shifts the reading frame from glutamine 4073.
Molecular consequence: frameshift variant.
Genome position (GRCh38, 1-based): chr2:73,602,287, C deleted. VCF-style (leftmost placement, unchanged base first): chr2-73602286-AC-A. GRCh37 (hg19) VCF-style: chr2-73829413-AC-A.
Other names: c.12220del, p.Gln4074fs (NM_015120.4); short protein forms Q4073fs, Q4074fs.
Identifiers: ClinVar variation 4815770 (VCV004815770.1).